The following is an entry in ClinVar:

NM_006439.5(MAB21L2):c.287_295del (p.Gly96_Ala98del)

Genes: LRBA (LPS responsive beige-like anchor protein; minus strand), MAB21L2 (mab-21 like 2; plus strand). Cytogenetic location: 4q31.3.
Variant type: Deletion.
Coding change: c.287_295del on transcript NM_006439.5 (MANE Select); coding-DNA positions 287 to 295, 9 bases deleted (GCTGCGCAG; older notation c.287_295delGCTGCGCAG).
Protein change: p.Gly96_Ala98del.
Molecular consequence: inframe deletion. On other transcripts: intron variant (6).
Genome position (GRCh38, 1-based): chr4:150,583,316-150,583,324, GCTGCGCAG deleted; deleting any 9 consecutive bases within chr4:150,583,315-150,583,324 gives the same sequence; the c. name uses the placement nearest the transcript's 3' end. VCF-style (leftmost placement, unchanged base first): chr4-150583314-CGGCTGCGCA-C. GRCh37 (hg19) VCF-style: chr4-151504466-CGGCTGCGCA-C.
Other names: c.6330+4725_6330+4733del (NM_001367550.1, NM_001199282.3, NM_001364905.1 and 1 more transcripts); c.6363+4725_6363+4733del (NM_006726.5, NM_001440430.1).
Identifiers: ClinVar variation 976482 (VCV000976482.1), dbSNP rs1771647082, ClinGen allele CA1139658667.

ClinVar aggregate classification (germline): Uncertain significance (0 of 4 stars; one submission).

Conditions:
Colobomatous microphthalmia-rhizomelic dysplasia syndrome (MCSKS). Also called: Microphthalmia/coloboma and skeletal dysplasia syndrome. Identifiers: Orphanet 424099, MedGen C4014540, MONDO:0014380, OMIM 615877.

Submission:

Clinical Genomics Laboratory, Stanford Medicine
Classification: Uncertain significance for Colobomatous microphthalmia-rhizomelic dysplasia syndrome. Last evaluated: 2019-02-08. Review status: no assertion criteria provided. Collection method: clinical testing. Allele origin: germline. Inheritance: Autosomal dominant inheritance. Affected: yes.
Comment: The p.Gly96_Ala98del variant was absent from large population databases, including the Genome Aggregation Database. However, the ability to detect large insertion/deletion variants is limited. The p.Gly96_Ala98del variant results in an inframe deletion of 3 amino acids. The significance of this type of variation in the MAB21L2 gene is currently unclear, as previously reported disease-causing variants in MAB21L2 have been missense or truncating variants. This reduces but does not eliminate the likelihood of this variant contributing to this patientâ€™s features. These data were assessed using the ACMG/AMP variant interpretation guidelines. In summary, the significance of the p.Gly96_Ala98del variant is uncertain. Additional information is needed to resolve the significance of this variant. [ACMG evidence codes used: PS2_supporting, PM2, BP5]